The following is an entry in ClinVar:

NM_020806.5(GPHN):c.534G>C (p.Glu178Asp)

Gene: GPHN (gephyrin; plus strand). Cytogenetic location: 14q23.3.
Variant type: single nucleotide variant.
Coding change: c.534G>C on transcript NM_020806.5 (MANE Select); coding-DNA position 534, G replaced by C.
Protein change: p.Glu178Asp; replaces glutamic acid 178 with aspartic acid.
Molecular consequence: missense variant.
Genome position (GRCh38, 1-based): chr14:66,922,743, G>C. VCF-style: chr14-66922743-G-C. GRCh37 (hg19) VCF-style: chr14-67389460-G-C.
Other names: c.534G>C, p.Glu178Asp (NM_001024218.2, NM_001377515.1, NM_001377516.1 and 2 more transcripts); c.573G>C, p.Glu191Asp (NM_001377514.1, NM_001377519.1); short protein forms E178D, E191D.
Identifiers: ClinVar variation 3685770 (VCV003685770.2).

ClinVar aggregate classification (germline): Uncertain significance (1 of 4 stars; one submission).

Conditions:
Sulfite oxidase deficiency due to molybdenum cofactor deficiency type C. Also called: Molybdenum cofactor deficiency, complementation group C; Molybdenum cofactor deficiency C. Identifiers: Orphanet 308400, Orphanet 833, MedGen C1854990, MONDO:0014212, OMIM 615501.

gnomAD v4.1: 1 of 1,613,426 alleles (0.000062%); highest among the groups gnomAD compares: Admixed American, 0.0017%; no homozygotes.

Submission:

Labcorp Genetics (formerly Invitae), Labcorp
Classification: Uncertain significance for Sulfite oxidase deficiency due to molybdenum cofactor deficiency type C. Last evaluated: 2024-09-27. Review status: criteria provided, single submitter. Criteria: Invitae Variant Classification Sherloc (09022015). Collection method: clinical testing. Allele origin: germline.
Comment: This sequence change replaces glutamic acid, which is acidic and polar, with aspartic acid, which is acidic and polar, at codon 178 of the GPHN protein (p.Glu178Asp). This variant is not present in population databases (gnomAD no frequency). This variant has not been reported in the literature in individuals affected with GPHN-related conditions. Invitae Evidence Modeling of protein sequence and biophysical properties (such as structural, functional, and spatial information, amino acid conservation, physicochemical variation, residue mobility, and thermodynamic stability) indicates that this missense variant is not expected to disrupt GPHN protein function with a negative predictive value of 80%. In summary, the available evidence is currently insufficient to determine the role of this variant in disease. Therefore, it has been classified as a Variant of Uncertain Significance.